The following is an entry in ClinVar:

NM_004733.4(SLC33A1):c.1559T>C (p.Ile520Thr)

Gene: SLC33A1 (solute carrier family 33 member 1; minus strand). Cytogenetic location: 3q25.31.
Variant type: single nucleotide variant.
Coding change: c.1559T>C on transcript NM_004733.4 (MANE Select); coding-DNA position 1559, T replaced by C.
Protein change: p.Ile520Thr; replaces isoleucine 520 with threonine.
Molecular consequence: missense variant.
Genome position (GRCh38, 1-based): chr3:155,828,301, A>G on the plus strand (T>C on the coding strand, the complement: SLC33A1 is on the minus strand). VCF-style: chr3-155828301-A-G. GRCh37 (hg19) VCF-style: chr3-155546090-A-G.
Other names: c.1559T>C, p.Ile520Thr (NM_001190992.2); c.1253T>C, p.Ile418Thr (NM_001363883.1); short protein forms I520T, I418T.
Identifiers: ClinVar variation 1043753 (VCV001043753.10), dbSNP rs777143987, ClinGen allele CA2677212.
Genomic context (GRCh38, chr3:155,828,301, plus strand): 5'-GATCCTTCATCCTGTAACTTTTTAAATTTTGGACCAAGAAAGAACCACCAACCAAATCCA[A>G]TGAAAACACAAATAATGGACTCCACATAATAACCATCCAGGGCTGTAACACATGAGCCAC-3'
Protein context (NP_004724.1, residues 510-530): YYVESIICVF[Ile520Thr]GFGWWFFLGP

ClinVar aggregate classification (germline): Uncertain significance. Review status: criteria provided, multiple submitters, no conflicts (2 of 4 stars). 4 submissions from 4 submitters: Uncertain significance (3). 1 of the submissions does not count toward it. Last evaluated 2024-09-16.

Conditions:
Spastic paraplegia. Identifiers: MedGen C0037772, HP:0001258.
Hereditary spastic paraplegia. Also called: Familial spastic paraparesis. Identifiers: Orphanet 685, MedGen C0037773, MONDO:0019064. Disease mechanism: loss of function.
Hereditary spastic paraplegia 42. Also called: SPASTIC PARAPLEGIA 42, AUTOSOMAL DOMINANT. Identifiers: Orphanet 171863, MedGen C2675528, MONDO:0012928, OMIM 612539.

Allele frequency attached by ClinVar (database versions not stated): TOPMed 0.00008; gnomAD 0.00009 and 0.00012; 1000 Genomes Project 30x 0.00031; ExAC 0.00031.
gnomAD v4.1: 249 of 1,606,000 alleles (0.016%); highest among the groups gnomAD compares: South Asian, 0.16%; 2 homozygotes.

Submissions (4):

Blueprint Genetics
Classification: Uncertain significance. Last evaluated: 2024-09-16. Review status: criteria provided, single submitter. Criteria: ACMG Guidelines, 2015. Collection method: clinical testing. Allele origin: germline.

Labcorp Genetics (formerly Invitae), Labcorp
Classification: Uncertain significance for Spastic paraplegia. Last evaluated: 2023-08-17. Review status: criteria provided, single submitter. Criteria: Invitae Variant Classification Sherloc (09022015). Collection method: clinical testing. Allele origin: germline.
Comment: In summary, the available evidence is currently insufficient to determine the role of this variant in disease. Therefore, it has been classified as a Variant of Uncertain Significance. Advanced modeling of protein sequence and biophysical properties (such as structural, functional, and spatial information, amino acid conservation, physicochemical variation, residue mobility, and thermodynamic stability) performed at Invitae indicates that this missense variant is not expected to disrupt SLC33A1 protein function. ClinVar contains an entry for this variant (Variation ID: 1043753). This variant has not been reported in the literature in individuals affected with SLC33A1-related conditions. This variant is present in population databases (rs777143987, gnomAD 0.2%). This sequence change replaces isoleucine, which is neutral and non-polar, with threonine, which is neutral and polar, at codon 520 of the SLC33A1 protein (p.Ile520Thr).

Genome Diagnostics Laboratory, The Hospital for Sick Children
Classification: Uncertain significance for Hereditary spastic paraplegia. Last evaluated: 2021-09-23. Review status: criteria provided, single submitter. Criteria: ACMG Guidelines, 2015. Collection method: clinical testing. Allele origin: germline. Affected: yes.

OMIM
Classification: Pathogenic for SPASTIC PARAPLEGIA 42, AUTOSOMAL DOMINANT. Last evaluated: 2024-03-12. Review status: no assertion criteria provided. Collection method: literature only. Allele origin: germline. Not counted in ClinVar's aggregate classification.

Literature cited by the submitters: PubMed 35588347 (cited by OMIM).